The following is an entry in ClinVar:

ClinVar aggregate classification (germline): Pathogenic (1 of 4 stars; one submission).

Conditions:
Neuronal ceroid lipofuscinosis 7 (CLN7). Also called: MFSD8-Related Neuronal Ceroid-Lipofuscinosis. Identifiers: Orphanet 168491, Orphanet 228366, MedGen C1838571, MONDO:0012588, OMIM 610951.

Submission:

Labcorp Genetics (formerly Invitae), Labcorp
Classification: Pathogenic for Neuronal ceroid lipofuscinosis 7. Last evaluated: 2023-02-11. Review status: criteria provided, single submitter. Criteria: Invitae Variant Classification Sherloc (09022015). Collection method: clinical testing. Allele origin: germline.
Comment: This sequence change creates a premature translational stop signal (p.Trp300*) in the MFSD8 gene. It is expected to result in an absent or disrupted protein product. Loss-of-function variants in MFSD8 are known to be pathogenic (PMID: 19177532, 25227500, 28586915). This variant is not present in population databases (gnomAD no frequency). This variant has not been reported in the literature in individuals affected with MFSD8-related conditions. For these reasons, this variant has been classified as Pathogenic.

Literature cited by the submitters: PubMed 19177532; PubMed 25227500; PubMed 28586915.

NM_001371596.2(MFSD8):c.900G>A (p.Trp300Ter)

Gene: MFSD8 (major facilitator superfamily domain containing 8; minus strand). Cytogenetic location: 4q28.2.
Variant type: single nucleotide variant.
Coding change: c.900G>A on transcript NM_001371596.2 (MANE Select); coding-DNA position 900, G replaced by A.
Protein change: p.Trp300Ter; replaces tryptophan 300 with a stop codon.
Molecular consequence: nonsense.
Genome position (GRCh38, 1-based): chr4:127,930,781, C>T on the plus strand (G>A on the coding strand, the complement: MFSD8 is on the minus strand). VCF-style: chr4-127930781-C-T. GRCh37 (hg19) VCF-style: chr4-128851936-C-T.
Other names: c.699G>A, p.Trp233Ter (NM_001363520.3); c.585G>A, p.Trp195Ter (NM_001363521.3); c.765G>A, p.Trp255Ter (NM_001371590.2); c.900G>A, p.Trp300Ter (NM_001371591.2, NM_152778.4); c.906G>A, p.Trp302Ter (NM_001371592.2); c.786G>A, p.Trp262Ter (NM_001371593.2, NM_001410766.1); c.753G>A, p.Trp251Ter (NM_001371594.2); c.618G>A, p.Trp206Ter (NM_001371595.1); and 1 more; short protein forms W206*, W233*, W150*, W300*, W195*, W255*, W251*, W262*.
Identifiers: ClinVar variation 2836237 (VCV002836237.3), dbSNP rs2546083610, ClinGen allele CA358174021.